The following is an entry in ClinVar:

ClinVar aggregate classification (germline): Uncertain significance. Review status: criteria provided, multiple submitters, no conflicts (2 of 4 stars). 2 submissions from 2 submitters: Uncertain significance (2). Last evaluated 2025-12-03.

Conditions:
Holoprosencephaly 5 (HPE5). Identifiers: Orphanet 2162, MedGen C1864827, MONDO:0012322, OMIM 609637.

Submissions (2):

Labcorp Genetics (formerly Invitae), Labcorp
Classification: Uncertain significance for Holoprosencephaly 5. Last evaluated: 2025-12-03. Review status: criteria provided, single submitter. Criteria: Invitae Variant Classification Sherloc (09022015). Collection method: clinical testing. Allele origin: germline.
Comment: This variant, c.1377_1406del, results in the deletion of 10 amino acid(s) of the ZIC2 protein (p.Ala461_Ala470del), but otherwise preserves the integrity of the reading frame. The frequency data for this variant in the population databases is considered unreliable, as metrics indicate poor data quality at this position in the gnomAD database. This variant has been observed in individuals with holoprosencephaly (PMID: 19177455, 21940735). ClinVar contains an entry for this variant (Variation ID: 1343256). This variant disrupts a region of the ZIC2 protein in which other variant(s) (p.Ala461_465del) have been observed in individuals with ZIC2-related conditions (PMID: 19955556). This suggests that this is a clinically significant region of the protein, and that variants that disrupt it are likely to be disease-causing. In summary, the available evidence is currently insufficient to determine the role of this variant in disease. Therefore, it has been classified as a Variant of Uncertain Significance.

Institute of Human Genetics, Clinical Exome/Genome Diagnostics Group, University Hospital Bonn
Classification: Uncertain significance for Holoprosencephaly 5. Last evaluated: 2022-01-14. Review status: criteria provided, single submitter. Criteria: ACMG Guidelines, 2015. Collection method: clinical testing. Allele origin: germline. Affected: yes.

Literature cited by the submitters: PubMed 19177455 (cited by Labcorp Genetics (formerly Invitae), Labcorp); PubMed 21940735 (cited by Labcorp Genetics (formerly Invitae), Labcorp); PubMed 19955556 (cited by Labcorp Genetics (formerly Invitae), Labcorp).

NM_007129.5(ZIC2):c.1377_1406del (p.Ala461_Ala470del)

Genes: ZIC2 (Zic family zinc finger 2; plus strand), LOC110008580 (Zic family member 2 polyalanine repeat instability region; plus strand). Cytogenetic location: 13q32.3.
Variant type: Deletion.
Coding change: c.1377_1406del on transcript NM_007129.5 (MANE Select); coding-DNA positions 1377 to 1406, 30 bases deleted (AGCGGCGGCGGCGGCTGCGGCGGCGGCGGC).
Protein change: p.Ala461_Ala470del.
Molecular consequence: inframe deletion.
Genome position (GRCh38, 1-based): chr13:99,985,460-99,985,489, AGCGGCGGCGGCGGCTGCGGCGGCGGCGGC deleted; deleting any 30 consecutive bases within chr13:99,985,449-99,985,489 gives the same sequence; the c. name uses the placement nearest the transcript's 3' end. VCF-style (leftmost placement, unchanged base first): chr13-99985448-AGCGGCGGCGGCAGCGGCGGCGGCGGCTGCG-A. GRCh37 (hg19) VCF-style: chr13-100637702-AGCGGCGGCGGCAGCGGCGGCGGCGGCTGCG-A.
Identifiers: ClinVar variation 1343256 (VCV001343256.4), dbSNP rs756225250, ClinGen allele CA7032972.
Genomic context (GRCh38, chr13:99,985,448, plus strand): 5'-CACGCCCCCGGGGCTGGTGTCCCCCAGCGCCGAGCCCCAGAGCAGCTCCAACCTGTCCCC[AGCGGCGGCGGCAGCGGCGGCGGCGGCTGCG>A]GCGGCGGCGGCCGCGGTGTCCGCGGTGCACCGGGGCGGAGGCTCGGGCAGTGGCGGCGCG-3'